The following is an entry in ClinVar:

NM_020821.3(VPS13C):c.7688A>G (p.Asn2563Ser)

Gene: VPS13C (vacuolar protein sorting 13 homolog C; minus strand). Cytogenetic location: 15q22.2.
Variant type: single nucleotide variant.
Coding change: c.7688A>G on transcript NM_020821.3 (MANE Select); coding-DNA position 7688, A replaced by G.
Protein change: p.Asn2563Ser; replaces asparagine 2563 with serine.
Molecular consequence: missense variant.
Genome position (GRCh38, 1-based): chr15:61,918,208, T>C on the plus strand (A>G on the coding strand, the complement: VPS13C is on the minus strand). VCF-style: chr15-61918208-T-C. GRCh37 (hg19) VCF-style: chr15-62210407-T-C.
Other names: p.Asn2563Ser; c.7688A>G, p.Asn2563Ser (NM_001018088.3); c.7559A>G, p.Asn2520Ser (NM_017684.5, NM_018080.4); short protein forms N2520S, N2563S.
Identifiers: ClinVar variation 1425289 (VCV001425289.7), dbSNP rs201120398, ClinGen allele CA7595186.

ClinVar aggregate classification (germline): Uncertain significance. Review status: criteria provided, multiple submitters, no conflicts (2 of 4 stars). 2 submissions from 2 submitters: Uncertain significance (2). Last evaluated 2025-10-21.

Allele frequency attached by ClinVar (database versions not stated): gnomAD 0.00011; ExAC 0.00012; gnomAD exomes 0.00012 and 0.00025; TOPMed 0.00008; ESP Exome Variant Server 0.00023.
gnomAD v4.1: 378 of 1,596,254 alleles (0.024%); highest among the groups gnomAD compares: Non-Finnish European, 0.031%; no homozygotes.

Submissions (2):

Mayo Clinic Laboratories, Mayo Clinic
Classification: Uncertain significance. Last evaluated: 2025-10-21. Review status: criteria provided, single submitter. Criteria: ACMG Guidelines, 2015. Collection method: clinical testing. Allele origin: germline. Observed: 2 variant alleles.
Comment: BP4_moderate

Labcorp Genetics (formerly Invitae), Labcorp
Classification: Uncertain significance. Last evaluated: 2022-07-20. Review status: criteria provided, single submitter. Criteria: Invitae Variant Classification Sherloc (09022015). Collection method: clinical testing. Allele origin: germline.
Comment: This variant is present in population databases (rs201120398, gnomAD 0.02%). This variant has not been reported in the literature in individuals affected with VPS13C-related conditions. ClinVar contains an entry for this variant (Variation ID: 1425289). Algorithms developed to predict the effect of missense changes on protein structure and function (SIFT, PolyPhen-2, Align-GVGD) all suggest that this variant is likely to be tolerated. In summary, the available evidence is currently insufficient to determine the role of this variant in disease. Therefore, it has been classified as a Variant of Uncertain Significance. This sequence change replaces asparagine, which is neutral and polar, with serine, which is neutral and polar, at codon 2563 of the VPS13C protein (p.Asn2563Ser).